The following is an entry in ClinVar:

ClinVar aggregate classification (germline): Uncertain significance (1 of 4 stars; one submission).

Conditions:
Inborn genetic diseases. Identifiers: MedGen C0950123, MeSH D030342.

Submission:

Ambry Genetics
Classification: Uncertain significance for Inborn genetic diseases. Last evaluated: 2026-04-05. Review status: criteria provided, single submitter. Criteria: Ambry Variant Classification Scheme 2023. Collection method: clinical testing. Allele origin: germline.
Comment: The p.T836P variant (also known as c.2506A>C), located in coding exon 13 of the ASXL1 gene, results from an A to C substitution at nucleotide position 2506. The threonine at codon 836 is replaced by proline, an amino acid with highly similar properties. This amino acid position is conserved. In addition, this alteration is predicted to be tolerated by in silico analysis. Based on the available evidence, the clinical significance of this variant remains unclear.

NM_015338.6(ASXL1):c.2506A>C (p.Thr836Pro)

Gene: ASXL1 (ASXL transcriptional regulator 1; plus strand). Cytogenetic location: 20q11.21.
Variant type: single nucleotide variant.
Coding change: c.2506A>C on transcript NM_015338.6 (MANE Select); coding-DNA position 2506, A replaced by C.
Protein change: p.Thr836Pro; replaces threonine 836 with proline.
Molecular consequence: missense variant.
Genome position (GRCh38, 1-based): chr20:32,435,218, A>C. VCF-style: chr20-32435218-A-C. GRCh37 (hg19) VCF-style: chr20-31023021-A-C.
Other names: c.2323A>C, p.Thr775Pro (NM_001363734.1); short protein forms T775P, T836P.
Identifiers: ClinVar variation 4864177 (VCV004864177.1).
Genomic context (GRCh38, chr20:32,435,218, plus strand): 5'-TCTCTAGTGGGAGATGATACATTAGAGAAAGGAACTGGCCAAGCTCTTGACAGTCATCCC[A>C]CTATGAAGGATCCTGTAAATGTGACCCCCAGTTCCACACCTGAATCCTCACCGACTGATT-3'
Protein context (NP_056153.2, residues 826-846): GTGQALDSHP[Thr836Pro]MKDPVNVTPS